The following is an entry in ClinVar:

ClinVar aggregate classification (germline): Benign/Likely benign. Review status: criteria provided, multiple submitters, no conflicts (2 of 4 stars). 6 submissions from 6 submitters: Benign (5); Likely benign (1). Last evaluated 2026-02-04.

Conditions:
Epidermodysplasia verruciformis. Identifiers: Orphanet 302, MedGen C0014522, MONDO:0009176.

Allele frequency attached by ClinVar (database versions not stated): ESP Exome Variant Server 0.07079; gnomAD 0.09127 and 0.09250; gnomAD exomes 0.09748 and 0.13314; TOPMed 0.10410; 1000 Genomes Project 30x 0.10493; 1000 Genomes Project 0.10503; ExAC 0.18416.
gnomAD v4.1: 153,508 of 1,583,914 alleles (9.7%); highest among the groups gnomAD compares: Admixed American, 31%; 10,482 homozygotes.

Submissions (6):

Labcorp Genetics (formerly Invitae), Labcorp
Classification: Benign for Epidermodysplasia verruciformis. Last evaluated: 2026-02-04. Review status: criteria provided, single submitter. Criteria: Invitae Variant Classification Sherloc (09022015). Collection method: clinical testing. Allele origin: germline.

Blueprint Genetics
Classification: Likely benign. Last evaluated: 2024-11-28. Review status: criteria provided, single submitter. Criteria: ACMG Guidelines, 2015. Collection method: clinical testing. Allele origin: germline.

Unidad de Genómica Garrahan, Hospital de Pediatría Garrahan
Classification: Benign. Last evaluated: 2024-01-24. Review status: criteria provided, single submitter. Criteria: ACMG Guidelines, 2015. Collection method: clinical testing. Allele origin: germline. Affected: no. Observed: 48 variant alleles.
Comment: This variant is classified as Benign based on local population frequency. This variant was detected in 55% of patients studied by a panel of primary immunodeficiencies. Number of patients: 48. Only high quality variants are reported.

GeneDx
Classification: Benign. Last evaluated: 2018-07-09. Review status: criteria provided, single submitter. Criteria: GeneDx Variant Classification Process June 2021. Collection method: clinical testing. Allele origin: germline. Affected: yes.
Comment: This variant is associated with the following publications: (PMID: 25854761)

Laboratory for Molecular Medicine, Mass General Brigham Personalized Medicine
Classification: Benign. Last evaluated: 2016-03-29. Review status: criteria provided, single submitter. Criteria: LMM Criteria. Collection method: clinical testing. Allele origin: germline.
Comment: Variant identified in a genome or exome case(s) and assessed due to predicted null impact of the variant or pathogenic assertions in the literature or databases. Disclaimer: This variant has not undergone full assessment. The following are preliminary notes: Frequency

Breakthrough Genomics
Classification: Benign. Review status: criteria provided, single submitter. Criteria: ACMG Guidelines, 2015. Collection method: not provided. Allele origin: germline. Inheritance: Autosomal recessive inheritance. Affected: yes.

NM_001127198.5(TMC6):c.457C>T (p.Leu153Phe)

Gene: TMC6 (transmembrane channel like 6; minus strand). Cytogenetic location: 17q25.3.
Variant type: single nucleotide variant.
Coding change: c.457C>T on transcript NM_001127198.5 (MANE Select); coding-DNA position 457, C replaced by T.
Protein change: p.Leu153Phe; replaces leucine 153 with phenylalanine.
Molecular consequence: missense variant.
Genome position (GRCh38, 1-based): chr17:78,125,237, G>A on the plus strand (C>T on the coding strand, the complement: TMC6 is on the minus strand). VCF-style: chr17-78125237-G-A. GRCh37 (hg19) VCF-style: chr17-76121318-G-A.
Other names: c.457C>T, p.Leu153Phe (NM_001321185.1, NM_001374593.1, NM_001374594.1 and 4 more transcripts); short protein forms L153F.
Identifiers: ClinVar variation 403545 (VCV000403545.19), dbSNP rs12449858, ClinGen allele CA8796117.